The following is an entry in ClinVar:

NM_000051.4(ATM):c.3244_3245insG (p.His1082fs)

Gene: ATM (ATM serine/threonine kinase; plus strand). Cytogenetic location: 11q22.3.
Variant type: Insertion.
Coding change: c.3244_3245insG on transcript NM_000051.4 (MANE Select); coding-DNA positions 3244 to 3245, G inserted.
Protein change: p.His1082fs; shifts the reading frame from histidine 1082.
Molecular consequence: frameshift variant.
Genome position: GRCh38 VCF-style: chr11-108272812-C-CG. GRCh37 (hg19) VCF-style: chr11-108143539-C-CG.
Other names: c.3244_3245insG, p.His1082fs (NM_001351834.2); short protein forms H1082fs.
Identifiers: ClinVar variation 689374 (VCV000689374.10), dbSNP rs761486324, ClinGen allele CA915948378.

ClinVar aggregate classification (germline): Pathogenic. Review status: criteria provided, multiple submitters, no conflicts (2 of 4 stars). 4 submissions from 4 submitters: Pathogenic (4). Last evaluated 2024-11-14.

Conditions:
Familial cancer of breast. Also called: BREAST CANCER, FAMILIAL; Hereditary breast cancer; hereditary breast carcinoma. Identifiers: Orphanet 227535, MedGen C0346153, MONDO:0016419, OMIM 114480. Disease mechanism: loss of function.
Cerebellar ataxia. Identifiers: Orphanet 102002, MedGen C0007758, MONDO:0000437.
Hereditary cancer-predisposing syndrome. Also called: Neoplastic Syndromes, Hereditary; Tumor predisposition; Hereditary neoplastic syndrome; Hereditary Cancer Syndrome. Identifiers: Orphanet 140162, MedGen C0027672, MeSH D009386, MONDO:0015356.
Ataxia-telangiectasia syndrome (AT). Also called: Ataxia telangiectasia (A-T); Ataxia-telangiectasia, complementation group D; Ataxia-telangiectasia, complementation group E; AT, COMPLEMENTATION GROUP C; Cerebello-oculocutaneous telangiectasia; Immunodeficiency with ataxia telangiectasia. Identifiers: Orphanet 100, MedGen C0004135, MONDO:0008840, OMIM 208900.

Submissions (4):

Ambry Genetics
Classification: Pathogenic for Hereditary cancer-predisposing syndrome. Last evaluated: 2024-11-14. Review status: criteria provided, single submitter. Criteria: Ambry Variant Classification Scheme 2023. Collection method: clinical testing. Allele origin: germline.
Comment: The c.3244_3245insG pathogenic mutation, located in coding exon 21 of the ATM gene, results from an insertion of one nucleotide at position 3244, causing a translational frameshift with a predicted alternate stop codon (p.H1082Rfs*14). This variant has been reported in the homozygous state in multiple patients with Ataxia telangiectasia (Amirifar P et al. Pediatr Allergy Immunol, 2021 Aug;32:1316-1326; Mortaz E et al. Immunogenetics, 2017 Jul;69:415-419; Amirifar P et al. J Clin Immunol, 2022 Jan;42:72-84). This variant is considered to be rare based on population cohorts in the Genome Aggregation Database (gnomAD). This alteration is expected to result in loss of function by premature protein truncation or nonsense-mediated mRNA decay. As such, this alteration is interpreted as a disease-causing mutation.

Myriad Genetics, Inc.
Classification: Pathogenic for Familial cancer of breast. Last evaluated: 2024-01-19. Review status: criteria provided, single submitter. Criteria: Myriad Autosomal Dominant, Autosomal Recessive and X-Linked Classification Criteria (2023). Collection method: clinical testing. Allele origin: unknown.
Comment: This variant is considered pathogenic. This variant creates a frameshift predicted to result in premature protein truncation.

Labcorp Genetics (formerly Invitae), Labcorp
Classification: Pathogenic for Ataxia-telangiectasia syndrome. Last evaluated: 2021-04-28. Review status: criteria provided, single submitter. Criteria: Invitae Variant Classification Sherloc (09022015). Collection method: clinical testing. Allele origin: germline.
Comment: For these reasons, this variant has been classified as Pathogenic. This variant has been observed in individual(s) with ataxia-telangiectasia (PMID: 28488180). It has also been observed to segregate with disease in related individuals. ClinVar contains an entry for this variant (Variation ID: 689374). This variant is not present in population databases (ExAC no frequency). This sequence change creates a premature translational stop signal (p.His1082Argfs*14) in the ATM gene. It is expected to result in an absent or disrupted protein product. Loss-of-function variants in ATM are known to be pathogenic (PMID: 23807571, 25614872).

Kariminejad - Najmabadi Pathology & Genetics Center
Classification: Pathogenic for Ataxia. Last evaluated: 2018-08-04. Review status: criteria provided, single submitter. Criteria: ACMG Guidelines, 2015. Collection method: clinical testing. Allele origin: germline. Affected: yes.

Literature cited by the submitters: PubMed 28488180 (cited by Ambry Genetics and Labcorp Genetics (formerly Invitae), Labcorp); PubMed 33547824 (cited by Ambry Genetics); PubMed 34628594 (cited by Ambry Genetics); PubMed 23807571 (cited by Labcorp Genetics (formerly Invitae), Labcorp); PubMed 25614872 (cited by Labcorp Genetics (formerly Invitae), Labcorp).